The following is an entry in ClinVar:

NM_002334.4(LRP4):c.1828C>T (p.Arg610Cys)

Gene: LRP4 (LDL receptor related protein 4; minus strand). Cytogenetic location: 11p11.2.
Variant type: single nucleotide variant.
Coding change: c.1828C>T on transcript NM_002334.4 (MANE Select); coding-DNA position 1828, C replaced by T.
Protein change: p.Arg610Cys; replaces arginine 610 with cysteine.
Molecular consequence: missense variant.
Genome position (GRCh38, 1-based): chr11:46,890,364, G>A on the plus strand (C>T on the coding strand, the complement: LRP4 is on the minus strand). VCF-style: chr11-46890364-G-A. GRCh37 (hg19) VCF-style: chr11-46911915-G-A.
Other names: short protein forms R610C.
Identifiers: ClinVar variation 467782 (VCV000467782.36), dbSNP rs150253578, ClinGen allele CA5970038.

ClinVar aggregate classification (germline): Benign/Likely benign. Review status: criteria provided, multiple submitters, no conflicts (2 of 4 stars). 4 submissions from 4 submitters: Benign (1); Likely benign (2). 1 of the submissions does not count toward it. Last evaluated 2025-12-30.

Conditions:
LRP4-related disorder. Also called: LRP4-related condition.
Cenani-Lenz syndactyly syndrome. Also called: SYNDACTYLY, TYPE VII; CENANI SYNDACTYLISM. Identifiers: Orphanet 3258, MedGen C1859309, MONDO:0008931, OMIM 212780.
Congenital myasthenic syndrome 17. Identifiers: Orphanet 590, MedGen C4225377, MONDO:0014578, OMIM 616304.
Sclerosteosis 2 (SOST2). Identifiers: Orphanet 3152, MedGen C3280402, MONDO:0013679, OMIM 614305.

Allele frequency attached by ClinVar (database versions not stated): gnomAD exomes 0.00024 and 0.00079; ExAC 0.00104; gnomAD 0.00289 and 0.00314; TOPMed 0.00312; 1000 Genomes Project 0.00359; 1000 Genomes Project 30x 0.00359; ESP Exome Variant Server 0.00408.
gnomAD v4.1: 826 of 1,614,124 alleles (0.051%); highest among the groups gnomAD compares: African/African-American, 0.91%; 5 homozygotes.

Submissions (4):

Labcorp Genetics (formerly Invitae), Labcorp
Classification: Benign for Cenani-Lenz syndactyly syndrome; Sclerosteosis 2; Congenital myasthenic syndrome 17. Last evaluated: 2025-12-30. Review status: criteria provided, single submitter. Criteria: Invitae Variant Classification Sherloc (09022015). Collection method: clinical testing. Allele origin: germline.

Blueprint Genetics
Classification: Likely benign. Last evaluated: 2024-08-27. Review status: criteria provided, single submitter. Criteria: ACMG Guidelines, 2015. Collection method: clinical testing. Allele origin: germline.

CeGaT Center for Human Genetics Tuebingen
Classification: Likely benign. Last evaluated: 2023-10-01. Review status: criteria provided, single submitter. Criteria: CeGaT Center For Human Genetics Tuebingen Variant Classification Criteria Version 2. Collection method: clinical testing. Allele origin: germline. Affected: yes. Observed: 2 variant alleles.
Comment: LRP4: BS2

PreventionGenetics, part of Exact Sciences
Classification: Benign for LRP4-related condition. Last evaluated: 2024-07-01. Review status: no assertion criteria provided. Collection method: clinical testing. Allele origin: germline. Not counted in ClinVar's aggregate classification.
Comment: This variant is classified as benign based on ACMG/AMP sequence variant interpretation guidelines (Richards et al. 2015 PMID: 25741868, with internal and published modifications).